The following is an entry in ClinVar:

NM_032242.4(PLXNA1):c.2257G>A (p.Ala753Thr)

Gene: PLXNA1 (plexin A1; plus strand). Cytogenetic location: 3q21.3.
Variant type: single nucleotide variant.
Coding change: c.2257G>A on transcript NM_032242.4 (MANE Select); coding-DNA position 2257, G replaced by A.
Protein change: p.Ala753Thr; replaces alanine 753 with threonine.
Molecular consequence: missense variant.
Genome position (GRCh38, 1-based): chr3:127,012,102, G>A. VCF-style: chr3-127012102-G-A. GRCh37 (hg19) VCF-style: chr3-126730945-G-A.
Other names: short protein forms A753T.
Identifiers: ClinVar variation 4988994 (VCV004988994.1).

ClinVar aggregate classification (germline): Uncertain significance (1 of 4 stars; one submission).

Conditions:
PLXNA1-related disorder. Also called: PLXNA1-related condition.

gnomAD v4.1: 12 of 1,613,342 alleles (0.00074%); highest among the groups gnomAD compares: African/African-American, 0.0013%; no homozygotes.

Submission:

PreventionGenetics, part of Exact Sciences
Classification: Uncertain significance for PLXNA1-related condition. Last evaluated: 2025-12-09. Review status: criteria provided, single submitter. Criteria: ACMG Guidelines, 2015. Collection method: clinical testing. Allele origin: germline.
Comment: The PLXNA1 c.2257G>A variant is predicted to result in the amino acid substitution p.Ala753Thr. To our knowledge, this variant has not been reported in the literature. This variant is reported in 0.00088% of alleles in individuals of European (Non-Finnish) descent in gnomAD. At this time, the clinical significance of this variant is uncertain due to the absence of conclusive functional and genetic evidence.